The following is an entry in ClinVar:

NM_007286.6(SYNPO):c.992C>T (p.Ala331Val)

Gene: SYNPO (synaptopodin; plus strand). Cytogenetic location: 5q33.1.
Variant type: single nucleotide variant.
Coding change: c.992C>T on transcript NM_007286.6 (MANE Select); coding-DNA position 992, C replaced by T.
Protein change: p.Ala331Val; replaces alanine 331 with valine.
Molecular consequence: missense variant.
Genome position (GRCh38, 1-based): chr5:150,649,267, C>T. VCF-style: chr5-150649267-C-T. GRCh37 (hg19) VCF-style: chr5-150028829-C-T.
Other names: c.992C>T, p.Ala331Val (NM_001109974.3); c.1724C>T, p.Ala575Val (NM_001166208.2, NM_001166209.2); c.1724C>T (NM_001166208.1); short protein forms A331V, A575V.
Identifiers: ClinVar variation 2049911 (VCV002049911.5), dbSNP rs749255472, ClinGen allele CA3513327.
Genomic context (GRCh38, chr5:150,649,267, plus strand): 5'-CCTTGGGGAACTTCACTGCACCCCCCACCTACACTGAGACCTTGTCCACAGCCCCTCTGG[C>T]TTCCTGGGTGAGGTCTCCTCCCTCATATTCTGTCCTGTATCCCAGCTCCGACCCCAAGTC-3'
Protein context (NP_009217.3, residues 321-341): YTETLSTAPL[Ala331Val]SWVRSPPSYS

ClinVar aggregate classification (germline): Uncertain significance. Review status: criteria provided, multiple submitters, no conflicts (2 of 4 stars). 2 submissions from 2 submitters: Uncertain significance (2). Last evaluated 2025-04-25.

Allele frequency attached by ClinVar (database versions not stated): ExAC 0.00001; TOPMed 0.00001; gnomAD 0.00003.
gnomAD v4.1: 13 of 1,614,230 alleles (0.00081%); highest among the groups gnomAD compares: Admixed American, 0.0083%; 1 homozygote.

Submissions (2):

Labcorp Genetics (formerly Invitae), Labcorp
Classification: Uncertain significance. Last evaluated: 2025-04-25. Review status: criteria provided, single submitter. Criteria: Invitae Variant Classification Sherloc (09022015). Collection method: clinical testing. Allele origin: germline.
Comment: This sequence change replaces alanine, which is neutral and non-polar, with valine, which is neutral and non-polar, at codon 331 of the SYNPO protein (p.Ala331Val). This variant is present in population databases (rs749255472, gnomAD 0.06%). This variant has not been reported in the literature in individuals affected with SYNPO-related conditions. ClinVar contains an entry for this variant (Variation ID: 2049911). An algorithm developed to predict the effect of missense changes on protein structure and function outputs the following: PolyPhen-2: "Benign". The valine amino acid residue is found in multiple mammalian species, which suggests that this missense change does not adversely affect protein function. In summary, the available evidence is currently insufficient to determine the role of this variant in disease. Therefore, it has been classified as a Variant of Uncertain Significance.

Ambry Genetics
Classification: Uncertain significance. Last evaluated: 2024-10-01. Review status: criteria provided, single submitter. Criteria: Ambry Variant Classification Scheme 2023. Collection method: clinical testing. Allele origin: germline.